The following is an entry in ClinVar:

ClinVar aggregate classification (germline): Pathogenic (1 of 4 stars; one submission).

Conditions:
Joubert syndrome 20 (JBTS20). Identifiers: Orphanet 475, MedGen C3554235, MONDO:0013994, OMIM 614970.
Meckel syndrome, type 11 (MKS11). Identifiers: Orphanet 564, MedGen C3809352, MONDO:0014164, OMIM 615397.

Submission:

Labcorp Genetics (formerly Invitae), Labcorp
Classification: Pathogenic for Joubert syndrome 20; Meckel syndrome, type 11. Last evaluated: 2024-05-02. Review status: criteria provided, single submitter. Criteria: Invitae Variant Classification Sherloc (09022015). Collection method: clinical testing. Allele origin: germline.
Comment: This sequence change creates a premature translational stop signal (p.Gln180*) in the TMEM231 gene. It is expected to result in an absent or disrupted protein product. Loss-of-function variants in TMEM231 are known to be pathogenic (PMID: 23012439, 23349226). This variant is not present in population databases (gnomAD no frequency). This variant has not been reported in the literature in individuals affected with TMEM231-related conditions. Algorithms developed to predict the effect of sequence changes on RNA splicing suggest that this variant may disrupt the consensus splice site. For these reasons, this variant has been classified as Pathogenic.

Literature cited by the submitters: PubMed 23012439; PubMed 23349226.

NM_001077418.3(TMEM231):c.379C>T (p.Gln127Ter)

Gene: TMEM231 (transmembrane protein 231; minus strand). Cytogenetic location: 16q23.1.
Variant type: single nucleotide variant.
Coding change: c.379C>T on transcript NM_001077418.3 (MANE Select); coding-DNA position 379, C replaced by T.
Protein change: p.Gln127Ter; replaces glutamine 127 with a stop codon.
Molecular consequence: nonsense. On other transcripts: non-coding transcript variant (1).
Genome position (GRCh38, 1-based): chr16:75,545,885, G>A on the plus strand (C>T on the coding strand, the complement: TMEM231 is on the minus strand). VCF-style: chr16-75545885-G-A. GRCh37 (hg19) VCF-style: chr16-75579783-G-A.
Other names: c.538C>T, p.Gln180Ter (NM_001077416.2); short protein forms Q127*, Q180*.
Identifiers: ClinVar variation 3756171 (VCV003756171.2).
Genomic context (GRCh38, chr16:75,545,885, plus strand): 5'-CGTGTAATCGATAGGAGAAAGTCAGGATGAGCTGCACACCGAGAACGTGCTCCGTGGACT[G>A]CAGGGGAAGCTCCAGCTTAAAATGTAACATGTCCGTCTTCCCATCCTGGTTCCTGTCTTC-3'